The following is an entry in ClinVar:

NM_001164508.2(NEB):c.23133_23144delinsG (p.Tyr7712fs)

Genes: RIF1 (replication timing regulatory factor 1; plus strand), NEB (nebulin; minus strand). Cytogenetic location: 2q23.3.
Variant type: Indel.
Coding change: c.23133_23144delinsG on transcript NM_001164508.2 (MANE Select); coding-DNA positions 23133 to 23144, ATATAAGCGAGA replaced by G.
Protein change: p.Tyr7712fs; shifts the reading frame from tyrosine 7712.
Molecular consequence: frameshift variant.
Genome position (GRCh38, 1-based): chr2:151,513,677-151,513,688, TCTCGCTTATAT replaced by C on the plus strand (ATATAAGCGAGA replaced by G on the coding strand, the reverse complement: NEB is on the minus strand). VCF-style: chr2-151513677-TCTCGCTTATAT-C. GRCh37 (hg19) VCF-style: chr2-152370191-TCTCGCTTATAT-C.
Other names: c.23133_23144delinsG, p.Tyr7712fs (NM_001164507.2); c.23238_23249delinsG, p.Tyr7747fs (NM_001271208.2); c.18030_18041delinsG, p.Tyr6011fs (NM_004543.5); c.23238_23249delinsG (NM_001271208.1); short protein forms Y6011fs, Y7712fs, Y7747fs.
Identifiers: ClinVar variation 1690396 (VCV001690396.5), dbSNP rs2153276539, ClinGen allele CA2573133340.
Genomic context (GRCh38, chr2:151,513,677, plus strand): 5'-AAATCCGGAGTTTCATTGGCCATGGCATTCAGGCCTCTTCCTTTGACTTCCAGTTCCAGG[TCTCGCTTATAT>C]TCTTTCTATAGTAGCATTAAAAGAAAAAAAAAAGGTACCTAAATGCTACTACTAGGTAAT-3'

ClinVar aggregate classification (germline): Pathogenic/Likely pathogenic. Review status: criteria provided, multiple submitters, no conflicts (2 of 4 stars). 3 submissions from 3 submitters: Pathogenic (1); Likely pathogenic (2). Last evaluated 2025-10-15.

Conditions:
NEB-related disorder. Also called: NEB-Related Disorders; NEB-related condition.
Arthrogryposis multiplex congenita 6. Identifiers: MedGen C5543431, MONDO:0030281, OMIM 619334.

Submissions (3):

3billion
Classification: Pathogenic for NEB-related disorder. Last evaluated: 2025-10-15. Review status: criteria provided, single submitter. Criteria: ACMG Guidelines, 2015. Collection method: clinical testing. Allele origin: germline. Affected: yes.
Comment: The variant is not observed in the gnomAD v4.1.0 dataset. Predicted Consequence/Location: Frameshift: predicted to result in a loss or disruption of normal protein function through nonsense-mediated decay (NMD) or protein truncation. Multiple pathogenic variants are reported downstream of the variant. The variant has been reported at least twice as pathogenic without evidence for the classification (ClinVar ID: VCV001690396). Therefore, this variant is classified as Pathogenic according to the recommendation of ACMG/AMP guideline.

Baylor Genetics
Classification: Likely pathogenic for Arthrogryposis multiplex congenita 6. Last evaluated: 2024-03-23. Review status: criteria provided, single submitter. Criteria: ACMG Guidelines, 2015. Collection method: clinical testing. Allele origin: unknown.

Laboratorio de Genetica e Diagnostico Molecular, Hospital Israelita Albert Einstein
Classification: Likely pathogenic. Last evaluated: 2021-06-17. Review status: criteria provided, single submitter. Criteria: ACMG Guidelines, 2015. Collection method: clinical testing. Allele origin: germline. Affected: yes.
Comment: ACMG classification criteria: PVS1, PM2